The following is an entry in ClinVar:

NM_018161.5(NADSYN1):c.775T>A (p.Ser259Thr)

Gene: NADSYN1 (NAD synthetase 1; plus strand). Cytogenetic location: 11q13.4.
Variant type: single nucleotide variant.
Coding change: c.775T>A on transcript NM_018161.5 (MANE Select); coding-DNA position 775, T replaced by A.
Protein change: p.Ser259Thr; replaces serine 259 with threonine.
Molecular consequence: missense variant.
Genome position (GRCh38, 1-based): chr11:71,474,503, T>A. VCF-style: chr11-71474503-T-A. GRCh37 (hg19) VCF-style: chr11-71185549-T-A.
Other names: short protein forms S259T.
Identifiers: ClinVar variation 1309462 (VCV001309462.2), dbSNP rs781464575, ClinGen allele CA6163172.

ClinVar aggregate classification (germline): Uncertain significance (1 of 4 stars; one submission).

Allele frequency attached by ClinVar (database versions not stated): gnomAD exomes 0.00001; ExAC 0.00002; TOPMed 0.00003; gnomAD 0.00004.
gnomAD v4.1: 32 of 1,614,046 alleles (0.002%); highest among the groups gnomAD compares: African/African-American, 0.0027%; no homozygotes.

Submission:

GeneDx
Classification: Uncertain significance. Last evaluated: 2019-11-04. Review status: criteria provided, single submitter. Criteria: GeneDx Variant Classification Process June 2021. Collection method: clinical testing. Allele origin: germline. Affected: yes.
Comment: In silico analysis, which includes protein predictors and evolutionary conservation, supports that this variant does not alter protein structure/function; Has not been previously published as pathogenic or benign to our knowledge; Variants in candidate genes are classified as variants of uncertain significance in accordance with ACMG guidelines (Richards et al., 2015)